The following is an entry in ClinVar:

ClinVar aggregate classification (germline): Uncertain significance (1 of 4 stars; one submission).

Conditions:
Dystonic disorder. Also called: Dystonia. Identifiers: MedGen C0013421, MONDO:0003441, HP:0001332.

Submission:

Labcorp Genetics (formerly Invitae), Labcorp
Classification: Uncertain significance for Dystonic disorder. Last evaluated: 2018-10-05. Review status: criteria provided, single submitter. Criteria: Invitae Variant Classification Sherloc (09022015). Collection method: clinical testing. Allele origin: germline.
Comment: This variant, c.829_834delTTCTTG, results in the deletion of 2 amino acid(s) of the GNAL protein (p.Phe277_Leu278del), but otherwise preserves the integrity of the reading frame. This variant is not present in population databases (ExAC no frequency). This variant has not been reported in the literature in individuals with GNAL-related disease. Experimental studies and prediction algorithms are not available for this variant, and the functional significance of the deleted amino acid(s) is currently unknown. In summary, the available evidence is currently insufficient to determine the role of this variant in disease. Therefore, it has been classified as a Variant of Uncertain Significance.

NM_182978.4(GNAL):c.1060_1065del (p.Phe354_Leu355del)

Gene: GNAL (G protein subunit alpha L; plus strand). Cytogenetic location: 18p11.21.
Variant type: Deletion.
Coding change: c.1060_1065del on transcript NM_182978.4 (MANE Select); coding-DNA positions 1060 to 1065, 6 bases deleted (TTCTTG; older notation c.1060_1065delTTCTTG).
Protein change: p.Phe354_Leu355del.
Molecular consequence: inframe deletion.
Genome position (GRCh38, 1-based): chr18:11,872,296-11,872,301, TTCTTG deleted; deleting any 6 consecutive bases within chr18:11,872,291-11,872,301 gives the same sequence; the c. name uses the placement nearest the transcript's 3' end. VCF-style (leftmost placement, unchanged base first): chr18-11872290-ATCTTGT-A. GRCh37 (hg19) VCF-style: chr18-11872289-ATCTTGT-A.
Other names: c.829_834del, p.Phe277_Leu278del (NM_001142339.3, NM_001261443.2, NM_001369387.1); c.208_213del, p.Phe70_Leu71del (NM_001261444.2); c.829_834delTTCTTG (NM_001142339.2).
Identifiers: ClinVar variation 648385 (VCV000648385.8), dbSNP rs1598444275, ClinGen allele CA915951690.